The following is an entry in ClinVar:

NM_001080510.5(METTL23):c.285TAT[1] (p.Ile97del)

Gene: METTL23 (methyltransferase 23, arginine; plus strand). Cytogenetic location: 17q25.1.
Variant type: Microsatellite.
Coding change: c.285TAT[1] on transcript NM_001080510.5 (MANE Select); one copy of the 3-base unit TAT starting at c.285; the reference has two copies in a row; one copy, 3 bases deleted.
Protein change: p.Ile97del; deletes isoleucine 97.
Molecular consequence: inframe deletion.
Genome position (GRCh38, 1-based): chr17:76,733,181-76,733,183, TAT deleted; deleting any 3 consecutive bases within chr17:76,733,178-76,733,183 gives the same sequence; the position shown is the placement nearest the transcript's 3' end. VCF-style (leftmost placement, unchanged base first): chr17-76733177-ATAT-A. GRCh37 (hg19) VCF-style: chr17-74729259-ATAT-A.
Other names: c.285TAT[1], p.Ile97del (NM_001206983.3, NM_001206984.3, NM_001302703.2 and 2 more transcripts); c.84TAT[1], p.Ile30del (NM_001206985.3, NM_001206986.3, NM_001206987.3 and 2 more transcripts); c.273TAT[1], p.Ile93del (NM_001302705.2, NM_001378350.1, NM_001378351.1 and 2 more transcripts); c.288_290delTAT (NM_001206983.1); short protein forms I30del, I93del, I97del.
Identifiers: ClinVar variation 3340973 (VCV003340973.2).

ClinVar aggregate classification (germline): Likely pathogenic. Review status: criteria provided, multiple submitters, no conflicts (2 of 4 stars). 2 submissions from 2 submitters: Likely pathogenic (2). Last evaluated 2025-08-19.

Conditions:
Inborn genetic diseases. Identifiers: MedGen C0950123, MeSH D030342.

Submissions (2):

Ambry Genetics
Classification: Likely pathogenic for Inborn genetic diseases. Last evaluated: 2025-08-19. Review status: criteria provided, single submitter. Criteria: Ambry Variant Classification Scheme 2023. Collection method: clinical testing. Allele origin: germline.
Comment: The c.288_290delTAT (p.I97del) alteration, located in coding exon 2 of the METTL23 gene, results from an in-frame deletion at nucleotide positions c.288 to c.290. This results in the deletion of an isoleucine (I) residue at codon 97. Based on data from gnomAD, this allele has an overall frequency of 0.003% (7/248944) total alleles studied. The highest observed frequency was 0.017% (1/6042) of Other alleles. This variant has been identified in the homozygous state and/or in conjunction with other METTL23 variant(s) in individual(s) with features consistent with METTL23-related neurodevelopmental disorder (external communication). This amino acid position is well conserved in available vertebrate species. This alteration is predicted to be deleterious by in silico analysis (Choi, 2012). Based on the available evidence, this alteration is classified as likely pathogenic.

GeneDx
Classification: Likely pathogenic. Last evaluated: 2024-03-11. Review status: criteria provided, single submitter. Criteria: GeneDx Variant Classification Process June 2021. Collection method: clinical testing. Allele origin: germline. Affected: yes.
Comment: In-frame deletion of 1 amino acid in a non-repeat region; In silico analysis supports a deleterious effect on protein structure/function; Has not been previously published as pathogenic or benign to our knowledge